The following is an entry in ClinVar:

ClinVar aggregate classification (germline): Uncertain significance (1 of 4 stars; one submission).

Allele frequency attached by ClinVar (database versions not stated): gnomAD exomes below 0.00001; ExAC 0.00001.
gnomAD v4.1: 3 of 1,612,558 alleles (0.00019%); highest among the groups gnomAD compares: South Asian, 0.0011%; no homozygotes.

Submission:

GeneDx
Classification: Uncertain significance. Last evaluated: 2019-12-12. Review status: criteria provided, single submitter. Criteria: GeneDx Variant Classification Process June 2021. Collection method: clinical testing. Allele origin: germline. Affected: yes.
Comment: Has not been previously published as pathogenic or benign to our knowledge; Not observed at a significant frequency in large population cohorts (Lek et al., 2016); In silico analysis, which includes protein predictors and evolutionary conservation, supports that this variant does not alter protein structure/function

NM_002860.4(ALDH18A1):c.1258G>T (p.Ala420Ser)

Gene: ALDH18A1 (aldehyde dehydrogenase 18 family member A1; minus strand). Cytogenetic location: 10q24.1.
Variant type: single nucleotide variant.
Coding change: c.1258G>T on transcript NM_002860.4 (MANE Select); coding-DNA position 1258, G replaced by T.
Protein change: p.Ala420Ser; replaces alanine 420 with serine.
Molecular consequence: missense variant.
Genome position (GRCh38, 1-based): chr10:95,621,240, C>A on the plus strand (G>T on the coding strand, the complement: ALDH18A1 is on the minus strand). VCF-style: chr10-95621240-C-A. GRCh37 (hg19) VCF-style: chr10-97380997-C-A.
Other names: c.1252G>T, p.Ala418Ser (NM_001017423.2, NM_001323415.2); c.925G>T, p.Ala309Ser (NM_001323412.2, NM_001323416.2); c.1258G>T, p.Ala420Ser (NM_001323413.2, NM_001323414.2); c.1153G>T, p.Ala385Ser (NM_001323417.2); c.919G>T, p.Ala307Ser (NM_001323418.2); c.622G>T, p.Ala208Ser (NM_001323419.2); short protein forms A208S, A307S, A309S, A385S, A418S, A420S.
Identifiers: ClinVar variation 1310983 (VCV001310983.2), dbSNP rs754482244, ClinGen allele CA5620365.